The following is an entry in ClinVar:

NM_025179.4(PLXNA2):c.2174G>A (p.Arg725Gln)

Gene: PLXNA2 (plexin A2; minus strand). Cytogenetic location: 1q32.2.
Variant type: single nucleotide variant.
Coding change: c.2174G>A on transcript NM_025179.4 (MANE Select); coding-DNA position 2174, G replaced by A.
Protein change: p.Arg725Gln; replaces arginine 725 with glutamine.
Molecular consequence: missense variant.
Genome position (GRCh38, 1-based): chr1:208,084,504, C>T on the plus strand (G>A on the coding strand, the complement: PLXNA2 is on the minus strand). VCF-style: chr1-208084504-C-T. GRCh37 (hg19) VCF-style: chr1-208257849-C-T.
Other names: c.2174G>A (NM_025179.3); short protein forms R725Q.
Identifiers: ClinVar variation 1512345 (VCV001512345.7), dbSNP rs770880735, ClinGen allele CA1373612.

ClinVar aggregate classification (germline): Uncertain significance. Review status: criteria provided, multiple submitters, no conflicts (2 of 4 stars). 2 submissions from 2 submitters: Uncertain significance (2). Last evaluated 2024-11-21.

Allele frequency attached by ClinVar (database versions not stated): gnomAD 0.00001 and 0.00004; TOPMed 0.00004; gnomAD exomes 0.00005 and 0.00012; ExAC 0.00007.
gnomAD v4.1: 181 of 1,614,128 alleles (0.011%); highest among the groups gnomAD compares: South Asian, 0.02%; 1 homozygote.

Submissions (2):

Ambry Genetics
Classification: Uncertain significance. Last evaluated: 2024-11-21. Review status: criteria provided, single submitter. Criteria: Ambry Variant Classification Scheme 2023. Collection method: clinical testing. Allele origin: germline.

Labcorp Genetics (formerly Invitae), Labcorp
Classification: Uncertain significance. Last evaluated: 2022-04-22. Review status: criteria provided, single submitter. Criteria: Invitae Variant Classification Sherloc (09022015). Collection method: clinical testing. Allele origin: germline.
Comment: In summary, the available evidence is currently insufficient to determine the role of this variant in disease. Therefore, it has been classified as a Variant of Uncertain Significance. Algorithms developed to predict the effect of missense changes on protein structure and function (SIFT, PolyPhen-2, Align-GVGD) all suggest that this variant is likely to be tolerated. This variant has not been reported in the literature in individuals affected with PLXNA2-related conditions. This variant is present in population databases (rs770880735, gnomAD 0.03%). This sequence change replaces arginine, which is basic and polar, with glutamine, which is neutral and polar, at codon 725 of the PLXNA2 protein (p.Arg725Gln).